The following is an entry in ClinVar:

NM_201384.3(PLEC):c.2375T>G (p.Val792Gly)

Gene: PLEC (plectin; minus strand). Cytogenetic location: 8q24.3.
Variant type: single nucleotide variant.
Coding change: c.2375T>G on transcript NM_201384.3 (MANE Select); coding-DNA position 2375, T replaced by G.
Protein change: p.Val792Gly; replaces valine 792 with glycine.
Molecular consequence: missense variant.
Genome position (GRCh38, 1-based): chr8:143,930,466, A>C on the plus strand (T>G on the coding strand, the complement: PLEC is on the minus strand). VCF-style: chr8-143930466-A-C. GRCh37 (hg19) VCF-style: chr8-145004634-A-C.
Other names: c.2456T>G, p.Val819Gly (NM_000445.5, NM_001410941.1); c.2333T>G, p.Val778Gly (NM_201378.4); c.2309T>G, p.Val770Gly (NM_201379.3); c.2786T>G, p.Val929Gly (NM_201380.4); c.2279T>G, p.Val760Gly (NM_201381.3); c.2375T>G, p.Val792Gly (NM_201382.4); c.2387T>G, p.Val796Gly (NM_201383.3); short protein forms V770G, V796G, V760G, V792G, V819G, V778G, V929G.
Identifiers: ClinVar variation 2923917 (VCV002923917.3), dbSNP rs2538612879, ClinGen allele CA372574750.
Genomic context (GRCh38, chr8:143,930,466, plus strand): 5'-ACGGCCAGCAGGGGCAGGCGGCCCCGCATGGGGTGGGCTGGGTGGCGGGGCTTCAGCTGC[A>C]CGACGGCCTTGGCCCGCTTGGCCAGGCCTGAGAGGTGGCCCTTGTACTCGTTCAGCTGTT-3'
Protein context (NP_958786.1, residues 782-802): SGLAKRAKAV[Val792Gly]QLKPRHPAHP

ClinVar aggregate classification (germline): Uncertain significance (1 of 4 stars; one submission).

Conditions:
Epidermolysis bullosa simplex with nail dystrophy (EBS5D). Identifiers: MedGen C4225309, MONDO:0014661, OMIM 616487.
Epidermolysis bullosa simplex, Ogna type (EBS5A). Also called: EPIDERMOLYSIS BULLOSA SIMPLEX 5A, OGNA TYPE; Pidermolysis bullosa simplex 5A, Ogna type. Identifiers: Orphanet 79401, MedGen C0432317, MONDO:0007555, OMIM 131950.
Epidermolysis bullosa simplex 5C, with pyloric atresia (EBS5C). Also called: PLEC1-Related Epidermolysis Bullosa with Pyloric Atresia; PLEC-Related Epidermolysis Bullosa with Pyloric Atresia; Epidermolysis bullosa simplex with pyloric atresia. Identifiers: Orphanet 158684, MedGen C2677349, MONDO:0012807, OMIM 612138.
Autosomal recessive limb-girdle muscular dystrophy type 2Q (LGMDR17). Also called: MUSCULAR DYSTROPHY, LIMB-GIRDLE, AUTOSOMAL RECESSIVE 17. Identifiers: Orphanet 254361, MedGen C3150989, MONDO:0013390, OMIM 613723.
Epidermolysis bullosa simplex 5B, with muscular dystrophy (EBS5B). Also called: EPIDERMOLYSIS BULLOSA SIMPLEX AND LIMB-GIRDLE MUSCULAR DYSTROPHY; Epidermolysis bullosa simplex with muscular dystrophy. Identifiers: Orphanet 257, MedGen C2931072, MONDO:0009181, OMIM 226670.

Submission:

Labcorp Genetics (formerly Invitae), Labcorp
Classification: Uncertain significance for Autosomal recessive limb-girdle muscular dystrophy type 2Q; Epidermolysis bullosa simplex, Ogna type; Epidermolysis bullosa simplex with nail dystrophy; Epidermolysis bullosa simplex 5C, with pyloric atresia; Epidermolysis bullosa simplex 5B, with muscular dystrophy. Last evaluated: 2023-05-01. Review status: criteria provided, single submitter. Criteria: Invitae Variant Classification Sherloc (09022015). Collection method: clinical testing. Allele origin: germline.
Comment: In summary, the available evidence is currently insufficient to determine the role of this variant in disease. Therefore, it has been classified as a Variant of Uncertain Significance. Advanced modeling of protein sequence and biophysical properties (such as structural, functional, and spatial information, amino acid conservation, physicochemical variation, residue mobility, and thermodynamic stability) performed at Invitae indicates that this missense variant is not expected to disrupt PLEC protein function. This variant has not been reported in the literature in individuals affected with PLEC-related conditions. This variant is not present in population databases (gnomAD no frequency). This sequence change replaces valine, which is neutral and non-polar, with glycine, which is neutral and non-polar, at codon 819 of the PLEC protein (p.Val819Gly).